The following is an entry in ClinVar:

ClinVar aggregate classification (germline): Pathogenic (1 of 4 stars; one submission).

gnomAD v4.1: 1 of 1,614,208 alleles (0.000062%); highest among the groups gnomAD compares: Non-Finnish European, 0.000085%; no homozygotes.

Submission:

Labcorp Genetics (formerly Invitae), Labcorp
Classification: Pathogenic. Last evaluated: 2024-03-16. Review status: criteria provided, single submitter. Criteria: Invitae Variant Classification Sherloc (09022015). Collection method: clinical testing. Allele origin: germline.
Comment: This sequence change creates a premature translational stop signal (p.Gln2155*) in the ABCA4 gene. It is expected to result in an absent or disrupted protein product. Loss-of-function variants in ABCA4 are known to be pathogenic (PMID: 10958761, 24938718, 25312043, 26780318). This variant is not present in population databases (gnomAD no frequency). This variant has not been reported in the literature in individuals affected with ABCA4-related conditions. Algorithms developed to predict the effect of sequence changes on RNA splicing suggest that this variant may disrupt the consensus splice site. For these reasons, this variant has been classified as Pathogenic.

Literature cited by the submitters: PubMed 10958761; PubMed 24938718; PubMed 25312043; PubMed 26780318.

NM_000350.3(ABCA4):c.6463C>T (p.Gln2155Ter)

Gene: ABCA4 (ATP binding cassette subfamily A member 4; minus strand). Cytogenetic location: 1p22.1.
Variant type: single nucleotide variant.
Coding change: c.6463C>T on transcript NM_000350.3 (MANE Select); coding-DNA position 6463, C replaced by T.
Protein change: p.Gln2155Ter; replaces glutamine 2155 with a stop codon.
Molecular consequence: nonsense.
Genome position (GRCh38, 1-based): chr1:94,000,852, G>A on the plus strand (C>T on the coding strand, the complement: ABCA4 is on the minus strand). VCF-style: chr1-94000852-G-A. GRCh37 (hg19) VCF-style: chr1-94466408-G-A.
Other names: c.6241C>T, p.Gln2081Ter (NM_001425324.1); short protein forms Q2155*, Q2081*.
Identifiers: ClinVar variation 3646232 (VCV003646232.2).
Genomic context (GRCh38, chr1:94,000,852, plus strand): 5'-GATCCACAGAAGGCAACAAGGGGCACGCCCCACCATCTGCTTACTTGGACTTGAGATGCT[G>A]AATGGTGCCCATACATCGAAAGGCGCCCTTTACCATGATGGCCAGCCGGGTACACAGTGC-3'